The following is an entry in ClinVar:

NM_032977.4(CASP10):c.765del (p.Met256fs)

Gene: CASP10 (caspase 10; plus strand). Cytogenetic location: 2q33.1.
Variant type: Deletion.
Coding change: c.765del on transcript NM_032977.4 (MANE Select); coding-DNA position 765, one base deleted (G; older notation c.765delG).
Protein change: p.Met256fs; shifts the reading frame from methionine 256.
Molecular consequence: frameshift variant. On other transcripts: intron variant (4).
Genome position (GRCh38, 1-based): chr2:201,205,925, G deleted; the last of 5 consecutive G bases (chr2:201,205,921-201,205,925); deleting any one gives the same sequence. VCF-style (leftmost placement, unchanged base first): chr2-201205920-AG-A. GRCh37 (hg19) VCF-style: chr2-202070643-AG-A.
Other names: c.765del, p.Met256fs (NM_032974.5); c.685-2150del (NM_001206542.2, NM_001230.5); c.722-2150del (NM_032976.4); c.721+2159del (NM_001206524.2); short protein forms M256fs.
Identifiers: ClinVar variation 2187543 (VCV002187543.4), dbSNP rs779839047, ClinGen allele CA2053040.

ClinVar aggregate classification (germline): Uncertain significance (1 of 4 stars; one submission).

Conditions:
Autoimmune lymphoproliferative syndrome type 2A (ALPS2A). Also called: CASP10-Related Autoimmune Lymphoproliferative Syndrome; AUTOIMMUNE LYMPHOPROLIFERATIVE SYNDROME, TYPE IIA; Autoimmune lymphoproliferative syndrome type 2. Identifiers: Orphanet 3261, MedGen C1858968, MONDO:0011383, OMIM 603909.

Submission:

Labcorp Genetics (formerly Invitae), Labcorp
Classification: Uncertain significance for Autoimmune lymphoproliferative syndrome type 2A. Last evaluated: 2025-07-22. Review status: criteria provided, single submitter. Criteria: Invitae Variant Classification Sherloc (09022015). Collection method: clinical testing. Allele origin: germline.
Comment: This sequence change creates a premature translational stop signal (p.Met256Cysfs*9) in the CASP10 gene. It is expected to result in an absent or disrupted protein product. However, the current clinical and genetic evidence is not sufficient to establish whether loss-of-function variants in CASP10 cause disease. This variant is present in population databases (rs779839047, gnomAD 0.01%). This variant has not been reported in the literature in individuals affected with CASP10-related conditions. ClinVar contains an entry for this variant (Variation ID: 2187543). Algorithms developed to predict the effect of sequence changes on RNA splicing suggest that this variant may disrupt the consensus splice site. In summary, the available evidence is currently insufficient to determine the role of this variant in disease. Therefore, it has been classified as a Variant of Uncertain Significance.